The following is an entry in ClinVar:

ClinVar aggregate classification (germline): Uncertain significance (1 of 4 stars; one submission).

Conditions:
Long QT syndrome (LQTS). Identifiers: MedGen C0023976, MeSH D008133, MONDO:0002442. Disease mechanism: loss of function. Inheritance: Various modes of inheritance.

Allele frequency attached by ClinVar (database versions not stated): gnomAD exomes below 0.00001; gnomAD 0.00001.
gnomAD v4.1: 2 of 1,541,562 alleles (0.00013%); highest among the groups gnomAD compares: African/African-American, 0.0027%; no homozygotes.

Submission:

Labcorp Genetics (formerly Invitae), Labcorp
Classification: Uncertain significance for Long QT syndrome. Last evaluated: 2025-07-29. Review status: criteria provided, single submitter. Criteria: Invitae Variant Classification Sherloc (09022015). Collection method: clinical testing. Allele origin: germline.
Comment: This sequence change falls in intron 29 of the CACNA1C gene. It does not directly change the encoded amino acid sequence of the CACNA1C protein. It affects a nucleotide within the consensus splice site. This variant is present in population databases (no rsID available, gnomAD 0.01%). This variant has not been reported in the literature in individuals affected with CACNA1C-related conditions. ClinVar contains an entry for this variant (Variation ID: 411733). Variants that disrupt the consensus splice site are a relatively common cause of aberrant splicing (PMID: 17576681, 9536098). Algorithms developed to predict the effect of sequence changes on RNA splicing suggest that this variant is not likely to affect RNA splicing. In summary, the available evidence is currently insufficient to determine the role of this variant in disease. Therefore, it has been classified as a Variant of Uncertain Significance.

Literature cited by the submitters: PubMed 17576681; PubMed 9536098.

NM_000719.7(CACNA1C):c.3828+6C>T

Gene: CACNA1C (calcium voltage-gated channel subunit alpha1 C; plus strand). Cytogenetic location: 12p13.33.
Variant type: single nucleotide variant.
Coding change: c.3828+6C>T on transcript NM_000719.7 (MANE Select); 6 bases into the intron after coding-DNA position 3828, C replaced by T.
Molecular consequence: intron variant.
Genome position (GRCh38, 1-based): chr12:2,612,019, C>T. VCF-style: chr12-2612019-C-T. GRCh37 (hg19) VCF-style: chr12-2721185-C-T.
Other names: c.3828+6C>T (NM_001167624.3, NM_001167623.2, NM_001167625.2 and 15 more transcripts); c.3888+6C>T (NM_199460.4, NM_001129827.2, NM_001129832.2); c.3819+6C>T (NM_001129844.2).
Identifiers: ClinVar variation 411733 (VCV000411733.9), dbSNP rs1060503449, ClinGen allele CA16614107.
Genomic context (GRCh38, chr12:2,612,019, plus strand): 5'-CACTGGCCTCTTCACCGTGGAGATGATCCTGAAGCTCATTGCCTTCAAACCCAAGGTAGG[C>T]CTCTGAGAAAGACCTTTGATTCCCAGGCATCAGGGGTGGACAGAACGGGGAGGTGGGGTG-3'